The following is an entry in ClinVar:

NM_033026.6(PCLO):c.1003C>T (p.Pro335Ser)

Gene: PCLO (piccolo presynaptic cytomatrix protein; minus strand). Cytogenetic location: 7q21.11.
Variant type: single nucleotide variant.
Coding change: c.1003C>T on transcript NM_033026.6 (MANE Select); coding-DNA position 1003, C replaced by T.
Protein change: p.Pro335Ser; replaces proline 335 with serine.
Molecular consequence: missense variant.
Genome position (GRCh38, 1-based): chr7:83,155,638, G>A on the plus strand (C>T on the coding strand, the complement: PCLO is on the minus strand). VCF-style: chr7-83155638-G-A. GRCh37 (hg19) VCF-style: chr7-82784954-G-A.
Other names: c.1003C>T (NM_033026.5); c.1003C>T, p.Pro335Ser (NM_014510.3); short protein forms P335S.
Identifiers: ClinVar variation 1359334 (VCV001359334.9), dbSNP rs2116690751, ClinGen allele CA367916459.

ClinVar aggregate classification (germline): Uncertain significance. Review status: criteria provided, multiple submitters, no conflicts (2 of 4 stars). 2 submissions from 2 submitters: Uncertain significance (2). Last evaluated 2024-10-19.

Conditions:
Inborn genetic diseases. Identifiers: MedGen C0950123, MeSH D030342.

Allele frequency attached by ClinVar (database versions not stated): gnomAD exomes below 0.00001.
gnomAD v4.1: 2 of 1,613,826 alleles (0.00012%); highest among the groups gnomAD compares: South Asian, 0.0022%; no homozygotes.

Submissions (2):

Ambry Genetics
Classification: Uncertain significance for Inborn genetic diseases. Last evaluated: 2024-10-19. Review status: criteria provided, single submitter. Criteria: Ambry Variant Classification Scheme 2023. Collection method: clinical testing. Allele origin: germline.

Labcorp Genetics (formerly Invitae), Labcorp
Classification: Uncertain significance. Last evaluated: 2021-06-06. Review status: criteria provided, single submitter. Criteria: Invitae Variant Classification Sherloc (09022015). Collection method: clinical testing. Allele origin: germline.
Comment: This sequence change replaces proline with serine at codon 335 of the PCLO protein (p.Pro335Ser). The proline residue is weakly conserved and there is a moderate physicochemical difference between proline and serine. This variant is not present in population databases (ExAC no frequency). This variant has not been reported in the literature in individuals with PCLO-related conditions. Algorithms developed to predict the effect of missense changes on protein structure and function are either unavailable or do not agree on the potential impact of this missense change (SIFT: "Tolerated"; PolyPhen-2: "Not Available"; Align-GVGD: "Class C0"). In summary, the available evidence is currently insufficient to determine the role of this variant in disease. Therefore, it has been classified as a Variant of Uncertain Significance.